The following is an entry in ClinVar:

NM_000466.3(PEX1):c.154A>G (p.Ser52Gly)

Gene: PEX1 (peroxisomal biogenesis factor 1; minus strand). Cytogenetic location: 7q21.2.
Variant type: single nucleotide variant.
Coding change: c.154A>G on transcript NM_000466.3 (MANE Select); coding-DNA position 154, A replaced by G.
Protein change: p.Ser52Gly; replaces serine 52 with glycine.
Molecular consequence: missense variant. On other transcripts: 5 prime UTR variant (1).
Genome position (GRCh38, 1-based): chr7:92,522,221, T>C on the plus strand (A>G on the coding strand, the complement: PEX1 is on the minus strand). VCF-style: chr7-92522221-T-C. GRCh37 (hg19) VCF-style: chr7-92151535-T-C.
Other names: c.154A>G, p.Ser52Gly (NM_001282677.2); c.-506A>G (NM_001282678.2); short protein forms S52G.
Identifiers: ClinVar variation 2149406 (VCV002149406.2), dbSNP rs1010885689, ClinGen allele CA161978946.

ClinVar aggregate classification (germline): Conflicting classifications of pathogenicity. Review status: criteria provided, conflicting classifications (1 of 4 stars). 2 submissions from 2 submitters: Uncertain significance (1); Likely benign (1). Last evaluated 2023-02-10.

Conditions:
Zellweger spectrum disorders (ZS). Also called: Zellweger Spectrum Disorder; Zellweger Spectrum; Zellweger Spectrum Disorder (ZSD); Zellweger syndrome. Identifiers: Orphanet 912, MedGen C0043459, MONDO:0019609.

Allele frequency attached by ClinVar (database versions not stated): gnomAD exomes below 0.00001.
gnomAD v4.1: 1 of 1,614,120 alleles (0.000062%); highest among the groups gnomAD compares: Non-Finnish European, 0.000085%; no homozygotes.

Submissions (2):

Blueprint Genetics
Classification: Likely benign. Last evaluated: 2023-02-10. Review status: criteria provided, single submitter. Criteria: ACMG Guidelines, 2015. Collection method: clinical testing. Allele origin: germline.

Labcorp Genetics (formerly Invitae), Labcorp
Classification: Uncertain significance for Zellweger spectrum disorders. Last evaluated: 2022-08-16. Review status: criteria provided, single submitter. Criteria: Invitae Variant Classification Sherloc (09022015). Collection method: clinical testing. Allele origin: germline.
Comment: This sequence change replaces serine, which is neutral and polar, with glycine, which is neutral and non-polar, at codon 52 of the PEX1 protein (p.Ser52Gly). This variant is not present in population databases (gnomAD no frequency). This variant has not been reported in the literature in individuals affected with PEX1-related conditions. Advanced modeling of protein sequence and biophysical properties (such as structural, functional, and spatial information, amino acid conservation, physicochemical variation, residue mobility, and thermodynamic stability) performed at Invitae indicates that this missense variant is not expected to disrupt PEX1 protein function. Algorithms developed to predict the effect of sequence changes on RNA splicing suggest that this variant may disrupt the consensus splice site. In summary, the available evidence is currently insufficient to determine the role of this variant in disease. Therefore, it has been classified as a Variant of Uncertain Significance.